The following is an entry in ClinVar:

ClinVar aggregate classification (germline): Uncertain significance (1 of 4 stars; one submission).

Conditions:
Kabuki syndrome 2 (KABUK2). Also called: KDM6A-Related Kabuki Syndrome. Identifiers: Orphanet 2322, MedGen C3275495, MONDO:0010465, OMIM 300867.

Submission:

Labcorp Genetics (formerly Invitae), Labcorp
Classification: Uncertain significance for Kabuki syndrome 2. Last evaluated: 2025-06-17. Review status: criteria provided, single submitter. Criteria: Invitae Variant Classification Sherloc (09022015). Collection method: clinical testing. Allele origin: germline.
Comment: This sequence change replaces aspartic acid, which is acidic and polar, with valine, which is neutral and non-polar, at codon 20 of the KDM6A protein (p.Asp20Val). This variant is not present in population databases (gnomAD no frequency). This variant has not been reported in the literature in individuals affected with KDM6A-related conditions. Invitae Evidence Modeling of protein sequence and biophysical properties (such as structural, functional, and spatial information, amino acid conservation, physicochemical variation, residue mobility, and thermodynamic stability) indicates that this missense variant is not expected to disrupt KDM6A protein function with a negative predictive value of 80%. In summary, the available evidence is currently insufficient to determine the role of this variant in disease. Therefore, it has been classified as a Variant of Uncertain Significance.

NM_001291415.2(KDM6A):c.59A>T (p.Asp20Val)

Gene: KDM6A (lysine demethylase 6A; plus strand). Cytogenetic location: Xp11.3.
Variant type: single nucleotide variant.
Coding change: c.59A>T on transcript NM_001291415.2 (MANE Select); coding-DNA position 59, A replaced by T.
Protein change: p.Asp20Val; replaces aspartic acid 20 with valine.
Molecular consequence: missense variant. On other transcripts: 5 prime UTR variant (1), non-coding transcript variant (1).
Genome position (GRCh38, 1-based): chrX:44,873,610, A>T. VCF-style: chrX-44873610-A-T. GRCh37 (hg19) VCF-style: chrX-44732856-A-T.
Other names: c.59A>T, p.Asp20Val (NM_001291418.2, NM_001410742.1, NM_001419809.1 and 9 more transcripts); c.-574A>T (NM_001291421.2); short protein forms D20V.
Identifiers: ClinVar variation 4711440 (VCV004711440.1).